The following is an entry in ClinVar:

NM_014714.4(IFT140):c.3968T>C (p.Leu1323Pro)

Gene: IFT140 (intraflagellar transport 140; minus strand). Cytogenetic location: 16p13.3.
Variant type: single nucleotide variant.
Coding change: c.3968T>C on transcript NM_014714.4 (MANE Select); coding-DNA position 3968, T replaced by C.
Protein change: p.Leu1323Pro; replaces leucine 1323 with proline.
Molecular consequence: missense variant.
Genome position (GRCh38, 1-based): chr16:1,519,953, A>G on the plus strand (T>C on the coding strand, the complement: IFT140 is on the minus strand). VCF-style: chr16-1519953-A-G. GRCh37 (hg19) VCF-style: chr16-1569954-A-G.
Other names: short protein forms L1323P.
Identifiers: ClinVar variation 4745825 (VCV004745825.1).

ClinVar aggregate classification (germline): Uncertain significance (1 of 4 stars; one submission).

Conditions:
Saldino-Mainzer syndrome (SRTD9). Also called: CONORENAL SYNDROME; Renal dysplasia, retinal pigmentary dystrophy, cerebellar ataxia and skeletal dysplasia; SHORT-RIB THORACIC DYSPLASIA 9 WITHOUT POLYDACTYLY; short-rib thoracic dysplasia 9 with or without polydactyly. Identifiers: Orphanet 140969, MedGen C1849437, MONDO:0009964, OMIM 266920.

Submission:

Labcorp Genetics (formerly Invitae), Labcorp
Classification: Uncertain significance for Saldino-Mainzer syndrome. Last evaluated: 2025-06-04. Review status: criteria provided, single submitter. Criteria: Invitae Variant Classification Sherloc (09022015). Collection method: clinical testing. Allele origin: germline.
Comment: This sequence change replaces leucine, which is neutral and non-polar, with proline, which is neutral and non-polar, at codon 1323 of the IFT140 protein (p.Leu1323Pro). This variant is not present in population databases (gnomAD no frequency). This variant has not been reported in the literature in individuals affected with IFT140-related conditions. Invitae Evidence Modeling of protein sequence and biophysical properties (such as structural, functional, and spatial information, amino acid conservation, physicochemical variation, residue mobility, and thermodynamic stability) indicates that this missense variant is not expected to disrupt IFT140 protein function with a negative predictive value of 95%. In summary, the available evidence is currently insufficient to determine the role of this variant in disease. Therefore, it has been classified as a Variant of Uncertain Significance.